The following is an entry in ClinVar:

NM_006642.5(SDCCAG8):c.1272G>A (p.Lys424=)

Gene: SDCCAG8 (SHH signaling and ciliogenesis regulator SDCCAG8; plus strand). Cytogenetic location: 1q43.
Variant type: single nucleotide variant.
Coding change: c.1272G>A on transcript NM_006642.5 (MANE Select); coding-DNA position 1272, G replaced by A.
Protein change: p.Lys424=; no amino-acid change (lysine 424 retained).
Molecular consequence: synonymous variant.
Genome position (GRCh38, 1-based): chr1:243,341,089, G>A. VCF-style: chr1-243341089-G-A. GRCh37 (hg19) VCF-style: chr1-243504391-G-A.
Other names: c.369G>A, p.Lys123= (NM_001350246.2, NM_001350247.2, NM_001350251.2); c.1368G>A, p.Lys456= (NM_001350248.2); c.978G>A, p.Lys326= (NM_001350249.2).
Identifiers: ClinVar variation 4997361 (VCV004997361.1).
Genomic context (GRCh38, chr1:243,341,089, plus strand): 5'-TCCCTTACAGATGTTGATCTTGTCTCAGAATATTGCCCAACTGGAGGCCCAGGTGGAAAA[G>A]GTTACAAAGGAAAAGATTTCAGCTATTAATCAACTGGAGGAAATTCAAAGCCAGCTGGCT-3'
Protein context (NP_006633.1, residues 414-434): NIAQLEAQVE[Lys424=]VTKEKISAIN

ClinVar aggregate classification (germline): Likely benign (1 of 4 stars; one submission).

Conditions:
SDCCAG8-related disorder. Also called: SDCCAG8-Related Disorders; SDCCAG8-related condition.

Submission:

PreventionGenetics, part of Exact Sciences
Classification: Likely benign for SDCCAG8-related condition. Last evaluated: 2025-07-11. Review status: criteria provided, single submitter. Criteria: ACMG Guidelines, 2015. Collection method: clinical testing. Allele origin: germline.
Comment: This variant is classified as likely benign based on ACMG/AMP sequence variant interpretation guidelines (Richards et al. 2015 PMID: 25741868, with internal and published modifications).